The following is an entry in ClinVar:

ClinVar aggregate classification (germline): Uncertain significance. Review status: criteria provided, multiple submitters, no conflicts (2 of 4 stars). 3 submissions from 3 submitters: Uncertain significance (3). Last evaluated 2026-07-30.

Conditions:
Inborn genetic diseases. Identifiers: MedGen C0950123, MeSH D030342.
COG7-related disorder. Also called: COG7-related condition.
COG7 congenital disorder of glycosylation (CDG2E). Also called: CONGENITAL DISORDER OF GLYCOSYLATION, TYPE IIe; CDG IIe. Identifiers: Orphanet 79333, MedGen C2931010, MONDO:0012118, OMIM 608779.

Allele frequency attached by ClinVar (database versions not stated): gnomAD exomes 0.00004 and 0.00005; ExAC 0.00008; gnomAD 0.00009 and 0.00010; 1000 Genomes Project 30x 0.00031; 1000 Genomes Project 0.00040.
gnomAD v4.1: 78 of 1,614,158 alleles (0.0048%); highest among the groups gnomAD compares: Middle Eastern, 0.016%; no homozygotes.

Submissions (3):

PreventionGenetics, part of Exact Sciences
Classification: Uncertain significance for COG7-related condition. Last evaluated: 2026-07-30. Review status: criteria provided, single submitter. Criteria: ACMG Guidelines, 2015. Collection method: clinical testing. Allele origin: germline.
Comment: The COG7 c.1822A>G variant is predicted to result in the amino acid substitution p.Ile608Val. To our knowledge, this variant has not been reported in the literature. This variant is reported in 0.011% of alleles in individuals of Latino descent in gnomAD. At this time, the clinical significance of this variant is uncertain due to the absence of conclusive functional and genetic evidence.

Ambry Genetics
Classification: Uncertain significance for Inborn genetic diseases. Last evaluated: 2025-08-07. Review status: criteria provided, single submitter. Criteria: Ambry Variant Classification Scheme 2023. Collection method: clinical testing. Allele origin: germline.

Labcorp Genetics (formerly Invitae), Labcorp
Classification: Uncertain significance for COG7 congenital disorder of glycosylation. Last evaluated: 2022-07-18. Review status: criteria provided, single submitter. Criteria: Invitae Variant Classification Sherloc (09022015). Collection method: clinical testing. Allele origin: germline.
Comment: This sequence change replaces isoleucine, which is neutral and non-polar, with valine, which is neutral and non-polar, at codon 608 of the COG7 protein (p.Ile608Val). This variant is present in population databases (rs115813844, gnomAD 0.01%). This variant has not been reported in the literature in individuals affected with COG7-related conditions. ClinVar contains an entry for this variant (Variation ID: 1404845). Algorithms developed to predict the effect of missense changes on protein structure and function output the following: SIFT: "Tolerated"; PolyPhen-2: "Benign"; Align-GVGD: "Class C0". The valine amino acid residue is found in multiple mammalian species, which suggests that this missense change does not adversely affect protein function. In summary, the available evidence is currently insufficient to determine the role of this variant in disease. Therefore, it has been classified as a Variant of Uncertain Significance.

NM_153603.4(COG7):c.1822A>G (p.Ile608Val)

Gene: COG7 (component of oligomeric golgi complex 7; minus strand). Cytogenetic location: 16p12.2.
Variant type: single nucleotide variant.
Coding change: c.1822A>G on transcript NM_153603.4 (MANE Select); coding-DNA position 1822, A replaced by G.
Protein change: p.Ile608Val; replaces isoleucine 608 with valine.
Molecular consequence: missense variant.
Genome position (GRCh38, 1-based): chr16:23,398,111, T>C on the plus strand (A>G on the coding strand, the complement: COG7 is on the minus strand). VCF-style: chr16-23398111-T-C. GRCh37 (hg19) VCF-style: chr16-23409432-T-C.
Other names: c.1822A>G (NM_153603.3); short protein forms I608V.
Identifiers: ClinVar variation 1404845 (VCV001404845.5), dbSNP rs115813844, ClinGen allele CA7960861.
Genomic context (GRCh38, chr16:23,398,111, plus strand): 5'-TGATGTACTCGAGAGGGGTGAGACTAAAGGCGGGCAGTTCATCTGTGAGGGTTTCTCCGA[T>C]GCCAGCCGTATTCCAGCTCTAAGGGTGGAACGAGAGGACACAATCAGTACCTAGCAGCCA-3'
Protein context (NP_705831.1, residues 598-618): SKMDSWNTAG[Ile608Val]GETLTDELPA